The following is an entry in ClinVar:

ClinVar aggregate classification (germline): Uncertain significance (1 of 4 stars; one submission).

Conditions:
Generalized epilepsy with febrile seizures plus, type 7 (GEFSP7). Also called: GEFS+, TYPE 7. Identifiers: Orphanet 36387, MedGen C2751778, MONDO:0013470, OMIM 613863.
Neuropathy, hereditary sensory and autonomic, type 2A (HSAN2A). Also called: MORVAN DISEASE; NEUROPATHY, CONGENITAL SENSORY; NEUROPATHY, HEREDITARY SENSORY RADICULAR, AUTOSOMAL RECESSIVE; NEUROPATHY, HEREDITARY SENSORY, TYPE IIA; NEUROPATHY, PROGRESSIVE SENSORY, OF CHILDREN; HSAN IIA. Identifiers: Orphanet 970, MedGen C2752089, MONDO:0024309, OMIM 201300.

Submission:

Labcorp Genetics (formerly Invitae), Labcorp
Classification: Uncertain significance for Neuropathy, hereditary sensory and autonomic, type 2A; Generalized epilepsy with febrile seizures plus, type 7. Last evaluated: 2021-12-29. Review status: criteria provided, single submitter. Criteria: Invitae Variant Classification Sherloc (09022015). Collection method: clinical testing. Allele origin: germline.
Comment: In summary, the available evidence is currently insufficient to determine the role of this variant in disease. Therefore, it has been classified as a Variant of Uncertain Significance. This variant has not been reported in the literature in individuals affected with SCN9A-related conditions. This variant results in a copy number gain of the genomic region encompassing exon(s) 2-6 of the SCN9A gene. This region includes the initiator codon of the gene. This copy number gain extends beyond the assayed region for this gene and therefore may encompass additional genes. As the precise location of this event is unknown, it may be in tandem or it may be located elsewhere in the genome.

NC_000002.11:g.(?_167160728)_(167168266_?)dup

Gene: SCN9A (sodium voltage-gated channel alpha subunit 9; minus strand). Cytogenetic location: 2q24.3.
Variant type: Duplication.
Identifiers: ClinVar variation 2424585 (VCV002424585.4).